The following is an entry in ClinVar:

NM_002080.4(GOT2):c.850T>C (p.Tyr284His)

Gene: GOT2 (glutamic-oxaloacetic transaminase 2; minus strand). Cytogenetic location: 16q21.
Variant type: single nucleotide variant.
Coding change: c.850T>C on transcript NM_002080.4 (MANE Select); coding-DNA position 850, T replaced by C.
Protein change: p.Tyr284His; replaces tyrosine 284 with histidine.
Molecular consequence: missense variant.
Genome position (GRCh38, 1-based): chr16:58,716,666, A>G on the plus strand (T>C on the coding strand, the complement: GOT2 is on the minus strand). VCF-style: chr16-58716666-A-G. GRCh37 (hg19) VCF-style: chr16-58750570-A-G.
Other names: c.721T>C, p.Tyr241His (NM_001286220.2); short protein forms Y284H, Y241H.
Identifiers: ClinVar variation 1403005 (VCV001403005.6), dbSNP rs772441242, ClinGen allele CA8090936.

ClinVar aggregate classification (germline): Uncertain significance (1 of 4 stars; one submission).

Allele frequency attached by ClinVar (database versions not stated): gnomAD exomes below 0.00001; ExAC 0.00001.

Submission:

Labcorp Genetics (formerly Invitae), Labcorp
Classification: Uncertain significance. Last evaluated: 2021-08-14. Review status: criteria provided, single submitter. Criteria: Invitae Variant Classification Sherloc (09022015). Collection method: clinical testing. Allele origin: germline.
Comment: This variant is present in population databases (rs772441242, ExAC 0.006%). In summary, the available evidence is currently insufficient to determine the role of this variant in disease. Therefore, it has been classified as a Variant of Uncertain Significance. Algorithms developed to predict the effect of missense changes on protein structure and function (SIFT, PolyPhen-2, Align-GVGD) all suggest that this variant is likely to be disruptive. This variant has not been reported in the literature in individuals affected with GOT2-related conditions. This sequence change replaces tyrosine with histidine at codon 284 of the GOT2 protein (p.Tyr284His). The tyrosine residue is highly conserved and there is a moderate physicochemical difference between tyrosine and histidine.